The following is an entry in ClinVar:

ClinVar aggregate classification (germline): Uncertain significance (1 of 4 stars; one submission).

Submission:

Labcorp Genetics (formerly Invitae), Labcorp
Classification: Uncertain significance. Last evaluated: 2024-05-21. Review status: criteria provided, single submitter. Criteria: Invitae Variant Classification Sherloc (09022015). Collection method: clinical testing. Allele origin: germline.
Comment: This sequence change replaces asparagine, which is neutral and polar, with aspartic acid, which is acidic and polar, at codon 591 of the MSH3 protein (p.Asn591Asp). This variant is not present in population databases (gnomAD no frequency). This variant has not been reported in the literature in individuals affected with MSH3-related conditions. An algorithm developed to predict the effect of missense changes on protein structure and function (PolyPhen-2) suggests that this variant is likely to be tolerated. In summary, the available evidence is currently insufficient to determine the role of this variant in disease. Therefore, it has been classified as a Variant of Uncertain Significance.

NM_002439.5(MSH3):c.1771A>G (p.Asn591Asp)

Gene: MSH3 (mutS homolog 3; plus strand). Cytogenetic location: 5q14.1.
Variant type: single nucleotide variant.
Coding change: c.1771A>G on transcript NM_002439.5 (MANE Select); coding-DNA position 1771, A replaced by G.
Protein change: p.Asn591Asp; replaces asparagine 591 with aspartic acid.
Molecular consequence: missense variant.
Genome position (GRCh38, 1-based): chr5:80,761,553, A>G. VCF-style: chr5-80761553-A-G. GRCh37 (hg19) VCF-style: chr5-80057372-A-G.
Other names: short protein forms N591D.
Identifiers: ClinVar variation 3627524 (VCV003627524.2).
Genomic context (GRCh38, chr5:80,761,553, plus strand): 5'-TATATTCTGAATTCCTAACATATCTGATTATTGCTATTACTCTTTTCTCACAGGGAAATA[A>G]ATGCCCGGCTTGATGCTGTATCGGAAGTTCTCCATTCAGAATCTAGTGTGTTTGGTCAGA-3'
Protein context (NP_002430.3, residues 581-601): TQPLLKLREI[Asn591Asp]ARLDAVSEVL